The following is an entry in ClinVar:

ClinVar aggregate classification (germline): Uncertain significance (1 of 4 stars; one submission).

Conditions:
RASopathy. Also called: rasopathies; Noonan spectrum disorder. Identifiers: Orphanet 536391, MedGen C5555857, MONDO:0021060.

gnomAD v4.1: 2 of 1,563,056 alleles (0.00013%); highest among the groups gnomAD compares: South Asian, 0.0012%; no homozygotes.

Submission:

Labcorp Genetics (formerly Invitae), Labcorp
Classification: Uncertain significance for RASopathy. Last evaluated: 2023-05-05. Review status: criteria provided, single submitter. Criteria: Invitae Variant Classification Sherloc (09022015). Collection method: clinical testing. Allele origin: germline.
Comment: ClinVar contains an entry for this variant (Variation ID: 1896867). This variant has not been reported in the literature in individuals affected with MAP2K2-related conditions. This variant is not present in population databases (gnomAD no frequency). This sequence change replaces threonine, which is neutral and polar, with alanine, which is neutral and non-polar, at codon 25 of the MAP2K2 protein (p.Thr25Ala). Advanced modeling of protein sequence and biophysical properties (such as structural, functional, and spatial information, amino acid conservation, physicochemical variation, residue mobility, and thermodynamic stability) performed at Invitae indicates that this missense variant is not expected to disrupt MAP2K2 protein function. In summary, the available evidence is currently insufficient to determine the role of this variant in disease. Therefore, it has been classified as a Variant of Uncertain Significance.

NM_030662.4(MAP2K2):c.73A>G (p.Thr25Ala)

Genes: MAP2K2 (mitogen-activated protein kinase kinase 2; minus strand), LOC130063193 (ATAC-STARR-seq lymphoblastoid silent region 9881; plus strand). Cytogenetic location: 19p13.3.
Variant type: single nucleotide variant.
Coding change: c.73A>G on transcript NM_030662.4 (MANE Select); coding-DNA position 73, A replaced by G.
Protein change: p.Thr25Ala; replaces threonine 25 with alanine.
Molecular consequence: missense variant.
Genome position (GRCh38, 1-based): chr19:4,123,803, T>C on the plus strand (A>G on the coding strand, the complement: MAP2K2 is on the minus strand). VCF-style: chr19-4123803-T-C. GRCh37 (hg19) VCF-style: chr19-4123800-T-C.
Other names: short protein forms T25A.
Identifiers: ClinVar variation 1896867 (VCV001896867.5), dbSNP rs1161407396, ClinGen allele CA403395952.